The following is an entry in ClinVar:

NM_001723.7(DST):c.7591A>G (p.Ile2531Val)

Gene: DST (dystonin; minus strand). Cytogenetic location: 6p12.1.
Variant type: single nucleotide variant.
Coding change: c.7591A>G on transcript NM_001723.7 (MANE Plus Clinical); coding-DNA position 7591, A replaced by G.
Protein change: p.Ile2531Val; replaces isoleucine 2531 with valine.
Molecular consequence: missense variant. On other transcripts: intron variant (10).
Genome position (GRCh38, 1-based): chr6:56,615,876, T>C on the plus strand (A>G on the coding strand, the complement: DST is on the minus strand). VCF-style: chr6-56615876-T-C. GRCh37 (hg19) VCF-style: chr6-56480674-T-C.
Other names: c.4831-1392A>G (NM_001144769.5); c.4930-1392A>G (NM_001374722.1, NM_001374736.1); c.4957-1392A>G (NM_001374734.1); c.4417-1392A>G (NM_001144770.2); c.4297-1392A>G (NM_001374730.1, NM_001386100.1, NM_183380.4 and 1 more transcripts); c.3319-1392A>G (NM_015548.5); short protein forms I2531V.
Identifiers: ClinVar variation 2950210 (VCV002950210.3), dbSNP rs779574150, ClinGen allele CA3869929.

ClinVar aggregate classification (germline): Uncertain significance (1 of 4 stars; one submission).

Conditions:
Epidermolysis bullosa simplex 3, localized or generalized intermediate, with BP230 deficiency (EBS3). Also called: Epidermolysis bullosa simplex due to BP230 deficiency; Epidermolysis bullosa simplex, autosomal recessive 2. Identifiers: Orphanet 412181, MedGen C3809470, MONDO:0014180, OMIM 615425.
Hereditary sensory and autonomic neuropathy type 6. Also called: HSAN VI; Neuropathy, hereditary sensory and autonomic, type VI. Identifiers: Orphanet 314381, MedGen C3539003, MONDO:0013839, OMIM 614653.

Allele frequency attached by ClinVar (database versions not stated): gnomAD exomes below 0.00001; ExAC 0.00001; TOPMed 0.00002.
gnomAD v4.1: 2 of 1,614,230 alleles (0.00012%); highest among the groups gnomAD compares: Non-Finnish European, 0.00017%; no homozygotes.

Submission:

Labcorp Genetics (formerly Invitae), Labcorp
Classification: Uncertain significance for Epidermolysis bullosa simplex 3, localized or generalized intermediate, with BP230 deficiency; Hereditary sensory and autonomic neuropathy type 6. Last evaluated: 2023-10-28. Review status: criteria provided, single submitter. Criteria: Invitae Variant Classification Sherloc (09022015). Collection method: clinical testing. Allele origin: germline.
Comment: This sequence change replaces isoleucine, which is neutral and non-polar, with valine, which is neutral and non-polar, at codon 2531 of the DST protein (p.Ile2531Val). This variant is present in population databases (rs779574150, gnomAD 0.007%). This variant has not been reported in the literature in individuals affected with DST-related conditions. An algorithm developed to predict the effect of missense changes on protein structure and function (PolyPhen-2) suggests that this variant is likely to be tolerated. In summary, the available evidence is currently insufficient to determine the role of this variant in disease. Therefore, it has been classified as a Variant of Uncertain Significance.